The following is an entry in ClinVar:

NM_080680.3(COL11A2):c.232+5G>A

Gene: COL11A2 (collagen type XI alpha 2 chain; minus strand). Cytogenetic location: 6p21.32.
Variant type: single nucleotide variant.
Coding change: c.232+5G>A on transcript NM_080680.3 (MANE Select); 5 bases into the intron after coding-DNA position 232, G replaced by A.
Molecular consequence: intron variant.
Genome position (GRCh38, 1-based): chr6:33,189,315, C>T on the plus strand (G>A on the coding strand, the complement: COL11A2 is on the minus strand). VCF-style: chr6-33189315-C-T. GRCh37 (hg19) VCF-style: chr6-33157092-C-T.
Other names: c.-615+5G>A (NM_001424111.1, NM_001424110.1, NM_001424109.1); c.232+5G>A (NM_080679.3, NM_080681.3, NM_001424108.1 and 1 more transcripts).
Identifiers: ClinVar variation 3702887 (VCV003702887.2).
Genomic context (GRCh38, chr6:33,189,315, plus strand): 5'-GGTGTCTGATCCTAGGCCCCATCCCATTACCTCCCCCCAGGCCTACCCCACCATGTCACC[C>T]ATACCTGGGAAAAGCTGGCGAGTGGGTGCACTGAGCTGGGCAGGTCGTGCCACTCGGTAG-3'

ClinVar aggregate classification (germline): Uncertain significance (1 of 4 stars; one submission).

gnomAD v4.1: 1 of 1,613,932 alleles (0.000062%); highest among the groups gnomAD compares: Non-Finnish European, 0.000085%; no homozygotes.

Submission:

Labcorp Genetics (formerly Invitae), Labcorp
Classification: Uncertain significance. Last evaluated: 2024-09-24. Review status: criteria provided, single submitter. Criteria: Invitae Variant Classification Sherloc (09022015). Collection method: clinical testing. Allele origin: germline.
Comment: This sequence change falls in intron 2 of the COL11A2 gene. It does not directly change the encoded amino acid sequence of the COL11A2 protein. It affects a nucleotide within the consensus splice site. This variant is not present in population databases (gnomAD no frequency). This variant has not been reported in the literature in individuals affected with COL11A2-related conditions. Variants that disrupt the consensus splice site are a relatively common cause of aberrant splicing (PMID: 17576681, 9536098). Algorithms developed to predict the effect of sequence changes on RNA splicing suggest that this variant is not likely to affect RNA splicing. In summary, the available evidence is currently insufficient to determine the role of this variant in disease. Therefore, it has been classified as a Variant of Uncertain Significance.

Literature cited by the submitters: PubMed 17576681; PubMed 9536098.